The following is an entry in ClinVar:

NM_004320.6(ATP2A1):c.1613C>T (p.Thr538Met)

Gene: ATP2A1 (ATPase sarcoplasmic/endoplasmic reticulum Ca2+ transporting 1; plus strand). Cytogenetic location: 16p11.2.
Variant type: single nucleotide variant.
Coding change: c.1613C>T on transcript NM_004320.6 (MANE Select); coding-DNA position 1613, C replaced by T.
Protein change: p.Thr538Met; replaces threonine 538 with methionine.
Molecular consequence: missense variant.
Genome position (GRCh38, 1-based): chr16:28,898,300, C>T. VCF-style: chr16-28898300-C-T. GRCh37 (hg19) VCF-style: chr16-28909621-C-T.
Other names: c.1238C>T, p.Thr413Met (NM_001286075.2); c.1613C>T, p.Thr538Met (NM_173201.5); short protein forms T538M, T413M.
Identifiers: ClinVar variation 2048692 (VCV002048692.1), dbSNP rs763211121, ClinGen allele CA7987034.

ClinVar aggregate classification (germline): Uncertain significance (1 of 4 stars; one submission).

Conditions:
Brody myopathy. Also called: BRODY DISEASE. Identifiers: Orphanet 53347, MedGen C1832918, MONDO:0010977, OMIM 601003.

Allele frequency attached by ClinVar (database versions not stated): ExAC 0.00002; TOPMed 0.00003; gnomAD exomes 0.00004; gnomAD 0.00006.
gnomAD v4.1: 68 of 1,614,074 alleles (0.0042%); highest among the groups gnomAD compares: Non-Finnish European, 0.0049%; 1 homozygote.

Submission:

Labcorp Genetics (formerly Invitae), Labcorp
Classification: Uncertain significance for Brody myopathy. Last evaluated: 2022-07-25. Review status: criteria provided, single submitter. Criteria: Invitae Variant Classification Sherloc (09022015). Collection method: clinical testing. Allele origin: germline.
Comment: This sequence change replaces threonine, which is neutral and polar, with methionine, which is neutral and non-polar, at codon 538 of the ATP2A1 protein (p.Thr538Met). This variant is present in population databases (rs763211121, gnomAD 0.008%). This variant has not been reported in the literature in individuals affected with ATP2A1-related conditions. Algorithms developed to predict the effect of missense changes on protein structure and function are either unavailable or do not agree on the potential impact of this missense change (SIFT: "Deleterious"; PolyPhen-2: "Possibly Damaging"; Align-GVGD: "Class C0"). In summary, the available evidence is currently insufficient to determine the role of this variant in disease. Therefore, it has been classified as a Variant of Uncertain Significance.